The following is an entry in ClinVar:

ClinVar aggregate classification (germline): Uncertain significance (1 of 4 stars; one submission).

Submission:

Labcorp Genetics (formerly Invitae), Labcorp
Classification: Uncertain significance. Last evaluated: 2024-10-28. Review status: criteria provided, single submitter. Criteria: Invitae Variant Classification Sherloc (09022015). Collection method: clinical testing. Allele origin: germline.
Comment: This sequence change replaces lysine, which is basic and polar, with threonine, which is neutral and polar, at codon 855 of the KCNH1 protein (p.Lys855Thr). This variant is not present in population databases (gnomAD no frequency). This variant has not been reported in the literature in individuals affected with KCNH1-related conditions. ClinVar contains an entry for this variant (Variation ID: 1491092). Invitae Evidence Modeling of protein sequence and biophysical properties (such as structural, functional, and spatial information, amino acid conservation, physicochemical variation, residue mobility, and thermodynamic stability) has been performed for this missense variant. However, the output from this modeling did not meet the statistical confidence thresholds required to predict the impact of this variant on KCNH1 protein function. In summary, the available evidence is currently insufficient to determine the role of this variant in disease. Therefore, it has been classified as a Variant of Uncertain Significance.

NM_172362.3(KCNH1):c.2564A>C (p.Lys855Thr)

Gene: KCNH1 (potassium voltage-gated channel subfamily H member 1; minus strand). Cytogenetic location: 1q32.2.
Variant type: single nucleotide variant.
Coding change: c.2564A>C on transcript NM_172362.3 (MANE Select); coding-DNA position 2564, A replaced by C.
Protein change: p.Lys855Thr; replaces lysine 855 with threonine.
Molecular consequence: missense variant.
Genome position (GRCh38, 1-based): chr1:210,683,687, T>G on the plus strand (A>C on the coding strand, the complement: KCNH1 is on the minus strand). VCF-style: chr1-210683687-T-G. GRCh37 (hg19) VCF-style: chr1-210857029-T-G.
Other names: c.2483A>C, p.Lys828Thr (NM_002238.4); short protein forms K828T, K855T.
Identifiers: ClinVar variation 1491092 (VCV001491092.8), dbSNP rs1558421009, ClinGen allele CA344870910.